The following is an entry in ClinVar:

NM_000264.5(PTCH1):c.1504-2A>C

Gene: PTCH1 (patched 1; minus strand). Cytogenetic location: 9q22.32.
Variant type: single nucleotide variant.
Coding change: c.1504-2A>C on transcript NM_000264.5 (MANE Select); the canonical splice acceptor site of the intron before coding-DNA position 1504, A replaced by C.
Molecular consequence: splice acceptor variant.
Genome position (GRCh38, 1-based): chr9:95,476,859, T>G on the plus strand (A>C on the coding strand, the complement: PTCH1 is on the minus strand). VCF-style: chr9-95476859-T-G. GRCh37 (hg19) VCF-style: chr9-98239141-T-G.
Other names: c.1501-2A>C (NM_001083603.3); c.1306-2A>C (NM_001083602.3); c.1348-2A>C (NM_001354918.2); c.1051-2A>C (NM_001083605.3, NM_001083604.3, NM_001083606.3 and 1 more transcripts).
Identifiers: ClinVar variation 428837 (VCV000428837.5), dbSNP rs1131690984, ClinGen allele CA374118361.

ClinVar aggregate classification (germline): Pathogenic (1 of 4 stars; one submission).

Conditions:
Hereditary cancer-predisposing syndrome. Also called: Hereditary Cancer Syndrome; Neoplastic Syndromes, Hereditary; Hereditary neoplastic syndrome; Tumor predisposition. Identifiers: Orphanet 140162, MedGen C0027672, MeSH D009386, MONDO:0015356.

Submission:

Ambry Genetics
Classification: Pathogenic for Hereditary cancer-predisposing syndrome. Last evaluated: 2015-09-25. Review status: criteria provided, single submitter. Criteria: Ambry Variant Classification Scheme 2023. Collection method: clinical testing. Allele origin: germline.
Comment: The c.1504-2A>C intronic pathogenic mutation results from an A to C substitution two nucleotides upstream from coding exon 11 in the PTCH1 gene. Since alterations that disrupt the canonical splice acceptor site are typically deleterious in nature, this alteration is interpreted as a disease-causing mutation (ACMG Recommendations for Standards for Interpretation and Reporting of Sequence Variations. Revision 2007. Genet Med. 2008;10:294).